The following is an entry in ClinVar:

ClinVar aggregate classification (germline): Uncertain significance (1 of 4 stars; one submission).

Allele frequency attached by ClinVar (database versions not stated): TOPMed below 0.00001; ExAC 0.00001; gnomAD 0.00001.
gnomAD v4.1: 1 of 1,614,110 alleles (0.000062%); highest among the groups gnomAD compares: Admixed American, 0.0017%; no homozygotes.

Submission:

Labcorp Genetics (formerly Invitae), Labcorp
Classification: Uncertain significance. Last evaluated: 2021-11-30. Review status: criteria provided, single submitter. Criteria: Invitae Variant Classification Sherloc (09022015). Collection method: clinical testing. Allele origin: germline.
Comment: This sequence change replaces asparagine, which is neutral and polar, with serine, which is neutral and polar, at codon 2290 of the CPLANE1 protein (p.Asn2290Ser). This variant is not present in population databases (gnomAD no frequency). This variant has not been reported in the literature in individuals affected with CPLANE1-related conditions. Advanced modeling of protein sequence and biophysical properties (such as structural, functional, and spatial information, amino acid conservation, physicochemical variation, residue mobility, and thermodynamic stability) performed at Invitae indicates that this missense variant is not expected to disrupt CPLANE1 protein function. In summary, the available evidence is currently insufficient to determine the role of this variant in disease. Therefore, it has been classified as a Variant of Uncertain Significance.

NM_001384732.1(CPLANE1):c.6869A>G (p.Asn2290Ser)

Gene: CPLANE1 (ciliogenesis and planar polarity effector complex subunit 1; minus strand). Cytogenetic location: 5p13.2.
Variant type: single nucleotide variant.
Coding change: c.6869A>G on transcript NM_001384732.1 (MANE Select); coding-DNA position 6869, A replaced by G.
Protein change: p.Asn2290Ser; replaces asparagine 2290 with serine.
Molecular consequence: missense variant.
Genome position (GRCh38, 1-based): chr5:37,169,155, T>C on the plus strand (A>G on the coding strand, the complement: CPLANE1 is on the minus strand). VCF-style: chr5-37169155-T-C. GRCh37 (hg19) VCF-style: chr5-37169257-T-C.
Other names: c.6869A>G, p.Asn2290Ser (NM_023073.4); short protein forms N2290S.
Identifiers: ClinVar variation 1957209 (VCV001957209.5), dbSNP rs767939817, ClinGen allele CA3238176.
Genomic context (GRCh38, chr5:37,169,155, plus strand): 5'-TCTGTAATTACAGTTTCTGCCCACGTCTTCTGCTCAACTTCTTTTTTTCTGGCTTCAGTG[T>C]TATACTGGCTTACATTCAAATGGGATGCTGGAGTAGTTTGTGCTGCTCTCTGTGGCAGAG-3'
Protein context (NP_001371661.1, residues 2280-2300): PASHLNVSQY[Asn2290Ser]TEARKKEVEQ